The following is an entry in ClinVar:

NM_024741.3(ZNF408):c.148G>A (p.Asp50Asn)

Gene: ZNF408 (zinc finger protein 408; plus strand). Cytogenetic location: 11p11.2.
Variant type: single nucleotide variant.
Coding change: c.148G>A on transcript NM_024741.3 (MANE Select); coding-DNA position 148, G replaced by A.
Protein change: p.Asp50Asn; replaces aspartic acid 50 with asparagine.
Molecular consequence: missense variant.
Genome position (GRCh38, 1-based): chr11:46,701,494, G>A. VCF-style: chr11-46701494-G-A. GRCh37 (hg19) VCF-style: chr11-46723044-G-A.
Other names: c.124G>A, p.Asp42Asn (NM_001184751.2); short protein forms D50N, D42N.
Identifiers: ClinVar variation 2794332 (VCV002794332.3), dbSNP rs778538528, ClinGen allele CA5966250.

ClinVar aggregate classification (germline): Uncertain significance (1 of 4 stars; one submission).

Allele frequency attached by ClinVar (database versions not stated): ExAC 0.00001.
gnomAD v4.1: 4 of 1,614,096 alleles (0.00025%); highest among the groups gnomAD compares: South Asian, 0.0033%; no homozygotes.

Submission:

Labcorp Genetics (formerly Invitae), Labcorp
Classification: Uncertain significance. Last evaluated: 2025-01-22. Review status: criteria provided, single submitter. Criteria: Invitae Variant Classification Sherloc (09022015). Collection method: clinical testing. Allele origin: germline.
Comment: This sequence change replaces aspartic acid, which is acidic and polar, with asparagine, which is neutral and polar, at codon 50 of the ZNF408 protein (p.Asp50Asn). This variant is present in population databases (rs778538528, gnomAD 0.006%). This variant has not been reported in the literature in individuals affected with ZNF408-related conditions. ClinVar contains an entry for this variant (Variation ID: 2794332). An algorithm developed to predict the effect of missense changes on protein structure and function (PolyPhen-2) suggests that this variant is likely to be tolerated. In summary, the available evidence is currently insufficient to determine the role of this variant in disease. Therefore, it has been classified as a Variant of Uncertain Significance.